The following is an entry in ClinVar:

ClinVar aggregate classification (germline): Uncertain significance. Review status: criteria provided, multiple submitters, no conflicts (2 of 4 stars). 3 submissions from 3 submitters: Uncertain significance (2). 1 of the submissions does not count toward it. Last evaluated 2024-09-30.

Conditions:
Inborn genetic diseases. Identifiers: MedGen C0950123, MeSH D030342.

Allele frequency attached by ClinVar (database versions not stated): gnomAD 0.00002 and 0.00003; ExAC 0.00004; gnomAD exomes 0.00004 and 0.00013; TOPMed 0.00004.
gnomAD v4.1: 184 of 1,552,046 alleles (0.012%); highest among the groups gnomAD compares: Non-Finnish European, 0.016%; no homozygotes.

Submissions (3):

Labcorp Genetics (formerly Invitae), Labcorp
Classification: Uncertain significance. Last evaluated: 2024-09-30. Review status: criteria provided, single submitter. Criteria: Invitae Variant Classification Sherloc (09022015). Collection method: clinical testing. Allele origin: germline.
Comment: This sequence change replaces alanine, which is neutral and non-polar, with serine, which is neutral and polar, at codon 1618 of the UNC80 protein (p.Ala1618Ser). This variant is present in population databases (rs772457874, gnomAD 0.01%). This variant has not been reported in the literature in individuals affected with UNC80-related conditions. ClinVar contains an entry for this variant (Variation ID: 1049916). Invitae Evidence Modeling of protein sequence and biophysical properties (such as structural, functional, and spatial information, amino acid conservation, physicochemical variation, residue mobility, and thermodynamic stability) indicates that this missense variant is not expected to disrupt UNC80 protein function with a negative predictive value of 80%. In summary, the available evidence is currently insufficient to determine the role of this variant in disease. Therefore, it has been classified as a Variant of Uncertain Significance.

Ambry Genetics
Classification: Uncertain significance for Inborn genetic diseases. Last evaluated: 2022-11-09. Review status: criteria provided, single submitter. Criteria: Ambry Variant Classification Scheme 2023. Collection method: clinical testing. Allele origin: germline.

Department of Pathology and Laboratory Medicine, Sinai Health System
Classification: Uncertain significance. Review status: no assertion criteria provided. Collection method: clinical testing. Allele origin: unknown. Affected: yes. Study: The Canadian Open Genetics Repository (COGR). Not counted in ClinVar's aggregate classification.
Comment: The UNC80 p.Ala1618Ser variant was not identified in the literature nor was it identified in ClinVar or LOVD 3.0. The variant was identified in dbSNP (ID: rs772457874) and in control databases in 8 of 189496 chromosomes at a frequency of 0.00004222 (Genome Aggregation Database March 6, 2019, v2.1.1). The variant was observed in the European (non-Finnish) population in 8 of 76846 chromosomes (freq: 0.000104), but was not observed in the African, Latino, Ashkenazi Jewish, East Asian, European (Finnish), Other, or South Asian populations. The p.Ala1618 residue is conserved in mammals and computational analyses (PolyPhen-2, SIFT, AlignGVGD, BLOSUM, MutationTaster) provide inconsistent predictions regarding the impact to the protein; this information is not very predictive of pathogenicity. The variant occurs outside of the splicing consensus sequence and in silico or computational prediction software programs (SpliceSiteFinder, MaxEntScan, NNSPLICE, GeneSplicer) do not predict a difference in splicing. In summary, based on the above information the clinical significance of this variant cannot be determined with certainty at this time. This variant is classified as a variant of uncertain significance.

NM_001371986.1(UNC80):c.5050G>T (p.Ala1684Ser)

Genes: UNC80 (unc-80 homolog, NALCN channel complex subunit; plus strand), LOC126806490 (P300/CBP strongly-dependent group 1 enhancer GRCh37_chr2:210782411-210783610; plus strand). Cytogenetic location: 2q34.
Variant type: single nucleotide variant.
Coding change: c.5050G>T on transcript NM_001371986.1 (MANE Select); coding-DNA position 5050, G replaced by T.
Protein change: p.Ala1684Ser; replaces alanine 1684 with serine.
Molecular consequence: missense variant.
Genome position (GRCh38, 1-based): chr2:209,917,797, G>T. VCF-style: chr2-209917797-G-T. GRCh37 (hg19) VCF-style: chr2-210782521-G-T.
Other names: c.4852G>T, p.Ala1618Ser (NM_032504.2); c.4837G>T, p.Ala1613Ser (NM_182587.4); c.4852G>T (NM_032504.1); short protein forms A1613S, A1618S, A1684S.
Identifiers: ClinVar variation 1049916 (VCV001049916.6), dbSNP rs772457874, ClinGen allele CA2083250.
Genomic context (GRCh38, chr2:209,917,797, plus strand): 5'-ATTTTAAAAGCATAGCTGATGAATTGTTGACTGTCTCTAGCTGCCATGTTCCTGCTGTGT[G>T]CAGTGAAGGTGCCTGAGGCCGTGTCCGACATGCTGATGTCAGAGTTCCACCACCCGGAGA-3'
Protein context (NP_001358915.1, residues 1674-1694): GAAAAMFLLC[Ala1684Ser]VKVPEAVSDM